The following is an entry in ClinVar:

NM_001008212.2(OPTN):c.553-6_553-5delinsGT

Gene: OPTN (optineurin; plus strand). Cytogenetic location: 10p13.
Variant type: Indel.
Coding change: c.553-6_553-5delinsGT on transcript NM_001008212.2 (MANE Select); 6 bases into the intron before coding-DNA position 553 through 5 bases into the intron before coding-DNA position 553, TC replaced by GT.
Molecular consequence: intron variant.
Genome position (GRCh38, 1-based): chr10:13,116,261-13,116,262, TC replaced by GT. VCF-style: chr10-13116261-TC-GT. GRCh37 (hg19) VCF-style: chr10-13158261-TC-GT.
Other names: c.553-6_553-5delinsGT (NM_001008211.1, NM_001008213.1, NM_021980.4).
Identifiers: ClinVar variation 2938038 (VCV002938038.3), dbSNP rs2539051058, ClinGen allele CA2740092962.

ClinVar aggregate classification (germline): Uncertain significance (1 of 4 stars; one submission).

Conditions:
Primary open angle glaucoma (POAG). Also called: OPTN-related open angle glaucoma. Identifiers: MedGen C0339573, MONDO:0100553, OMIM 137760.
Amyotrophic lateral sclerosis type 12 (ALS12). Also called: AMYOTROPHIC LATERAL SCLEROSIS 12 WITH OR WITHOUT FRONTOTEMPORAL DEMENTIA. Identifiers: Orphanet 803, MedGen C3150692, MONDO:0013264, OMIM 613435.
Glaucoma 1, open angle, E. Identifiers: MedGen C1842026, MONDO:0007665.

Submission:

Labcorp Genetics (formerly Invitae), Labcorp
Classification: Uncertain significance for Primary open angle glaucoma; Glaucoma 1, open angle, E; Amyotrophic lateral sclerosis type 12. Last evaluated: 2023-11-07. Review status: criteria provided, single submitter. Criteria: Invitae Variant Classification Sherloc (09022015). Collection method: clinical testing. Allele origin: germline.
Comment: This sequence change falls in intron 4 of the OPTN gene. It does not directly change the encoded amino acid sequence of the OPTN protein. Information on the frequency of this variant in the gnomAD database is not available, as this variant may be reported differently in the database. This variant has not been reported in the literature in individuals affected with OPTN-related conditions. Experimental studies and prediction algorithms are not available or were not evaluated, and the effect of this variant on mRNA splicing is currently unknown. In summary, the available evidence is currently insufficient to determine the role of this variant in disease. Therefore, it has been classified as a Variant of Uncertain Significance.